The following is an entry in ClinVar:

NM_139319.3(SLC17A8):c.547G>C (p.Gly183Arg)

Gene: SLC17A8 (solute carrier family 17 member 8; plus strand). Cytogenetic location: 12q23.1.
Variant type: single nucleotide variant.
Coding change: c.547G>C on transcript NM_139319.3 (MANE Select); coding-DNA position 547, G replaced by C.
Protein change: p.Gly183Arg; replaces glycine 183 with arginine.
Molecular consequence: missense variant.
Genome position (GRCh38, 1-based): chr12:100,393,442, G>C. VCF-style: chr12-100393442-G-C. GRCh37 (hg19) VCF-style: chr12-100787220-G-C.
Other names: c.547G>C, p.Gly183Arg (NM_001145288.2); short protein forms G183R.
Identifiers: ClinVar variation 1310207 (VCV001310207.2), dbSNP rs150737570, ClinGen allele CA386216335.

ClinVar aggregate classification (germline): Uncertain significance (1 of 4 stars; one submission).

Submission:

GeneDx
Classification: Uncertain significance. Last evaluated: 2019-11-22. Review status: criteria provided, single submitter. Criteria: GeneDx Variant Classification Process June 2021. Collection method: clinical testing. Allele origin: germline. Affected: yes.
Comment: Not observed in large population cohorts (Lek et al., 2016); In silico analysis, which includes protein predictors and evolutionary conservation, supports a deleterious effect; Has not been previously published as pathogenic or benign to our knowledge